The following is an entry in ClinVar:

NM_000245.4(MET):c.3847C>T (p.Pro1283Ser)

Gene: MET (MET proto-oncogene, receptor tyrosine kinase; plus strand). Cytogenetic location: 7q31.2.
Variant type: single nucleotide variant.
Coding change: c.3847C>T on transcript NM_000245.4 (MANE Select); coding-DNA position 3847, C replaced by T.
Protein change: p.Pro1283Ser; replaces proline 1283 with serine.
Molecular consequence: missense variant.
Genome position (GRCh38, 1-based): chr7:116,795,703, C>T. VCF-style: chr7-116795703-C-T. GRCh37 (hg19) VCF-style: chr7-116435757-C-T.
Other names: c.3901C>T, p.Pro1301Ser (NM_001127500.3); c.2557C>T, p.Pro853Ser (NM_001324402.2); short protein forms P1283S, P853S, P1301S.
Identifiers: ClinVar variation 2587473 (VCV002587473.4), dbSNP rs1795646988, ClinGen allele CA369117826.

ClinVar aggregate classification (germline): Uncertain significance. Review status: criteria provided, multiple submitters, no conflicts (2 of 4 stars). 2 submissions from 2 submitters: Uncertain significance (2). Last evaluated 2024-05-08.

Conditions:
Renal cell carcinoma. Identifiers: Orphanet 217071, MedGen C0007134, MeSH D002292, MONDO:0005086, HP:0005584.
Hereditary cancer-predisposing syndrome. Also called: Tumor predisposition; Hereditary Cancer Syndrome; Hereditary neoplastic syndrome; Neoplastic Syndromes, Hereditary. Identifiers: Orphanet 140162, MedGen C0027672, MeSH D009386, MONDO:0015356.

Submissions (2):

Labcorp Genetics (formerly Invitae), Labcorp
Classification: Uncertain significance for Renal cell carcinoma. Last evaluated: 2024-05-08. Review status: criteria provided, single submitter. Criteria: Invitae Variant Classification Sherloc (09022015). Collection method: clinical testing. Allele origin: germline.
Comment: This sequence change replaces proline, which is neutral and non-polar, with serine, which is neutral and polar, at codon 1301 of the MET protein (p.Pro1301Ser). This variant is not present in population databases (gnomAD no frequency). This variant has not been reported in the literature in individuals affected with MET-related conditions. ClinVar contains an entry for this variant (Variation ID: 2587473). Advanced modeling of protein sequence and biophysical properties (such as structural, functional, and spatial information, amino acid conservation, physicochemical variation, residue mobility, and thermodynamic stability) performed at Invitae indicates that this missense variant is expected to disrupt MET protein function with a positive predictive value of 80%. In summary, the available evidence is currently insufficient to determine the role of this variant in disease. Therefore, it has been classified as a Variant of Uncertain Significance.

Ambry Genetics
Classification: Uncertain significance for Hereditary cancer-predisposing syndrome. Last evaluated: 2023-06-30. Review status: criteria provided, single submitter. Criteria: Ambry Variant Classification Scheme 2023. Collection method: clinical testing. Allele origin: germline.
Comment: The p.P1301S variant (also known as c.3901C>T), located in coding exon 19 of the MET gene, results from a C to T substitution at nucleotide position 3901. The proline at codon 1301 is replaced by serine, an amino acid with similar properties. This amino acid position is conserved. In addition, this alteration is predicted to be deleterious by in silico analysis. Since supporting evidence is limited at this time, the clinical significance of this alteration remains unclear.